The following is an entry in ClinVar:

ClinVar aggregate classification (germline): Uncertain significance (1 of 4 stars; one submission).

Conditions:
Early-onset Lafora body disease. Also called: Epilepsy, progressive myoclonic, 10. Identifiers: Orphanet 324290, MedGen C4225258, MONDO:0014717, OMIM 616640.

Allele frequency attached by ClinVar (database versions not stated): ExAC 0.00040; 1000 Genomes Project 30x 0.00078; 1000 Genomes Project 0.00140.
gnomAD v4.1: 56 of 1,545,852 alleles (0.0036%); highest among the groups gnomAD compares: South Asian, 0.062%; 1 homozygote.

Submission:

Labcorp Genetics (formerly Invitae), Labcorp
Classification: Uncertain significance for Early-onset Lafora body disease. Last evaluated: 2021-10-27. Review status: criteria provided, single submitter. Criteria: Invitae Variant Classification Sherloc (09022015). Collection method: clinical testing. Allele origin: germline.
Comment: This sequence change replaces proline, a(n) neutral and non-polar amino acid, with alanine, a(n) neutral and non-polar amino acid, at codon 525 of the PRDM8 protein (p.Pro525Ala). This variant is present in population databases (rs575215294, gnomAD 0.06%), and has an allele count higher than expected for a pathogenic variant. This variant has not been reported in the literature in individuals affected with PRDM8-related conditions. ClinVar contains an entry for this variant (Variation ID: 542339). Algorithms developed to predict the effect of missense changes on protein structure and function (SIFT, PolyPhen-2, Align-GVGD) all suggest that this variant is likely to be tolerated. In summary, the available evidence is currently insufficient to determine the role of this variant in disease. Therefore, it has been classified as a Variant of Uncertain Significance.

NM_001099403.2(PRDM8):c.1573C>G (p.Pro525Ala)

Gene: PRDM8 (PR/SET domain 8; plus strand). Cytogenetic location: 4q21.21.
Variant type: single nucleotide variant.
Coding change: c.1573C>G on transcript NM_001099403.2 (MANE Select); coding-DNA position 1573, C replaced by G.
Protein change: p.Pro525Ala; replaces proline 525 with alanine.
Molecular consequence: missense variant.
Genome position (GRCh38, 1-based): chr4:80,203,035, C>G. VCF-style: chr4-80203035-C-G. GRCh37 (hg19) VCF-style: chr4-81124189-C-G.
Other names: c.1573C>G, p.Pro525Ala (NM_020226.4); short protein forms P525A.
Identifiers: ClinVar variation 542339 (VCV000542339.2), dbSNP rs575215294, ClinGen allele CA2982403.